The following is an entry in ClinVar:

NM_001482.3(GATM):c.408G>A (p.Thr136=)

Gene: GATM (glycine amidinotransferase; minus strand). Cytogenetic location: 15q21.1.
Variant type: single nucleotide variant.
Coding change: c.408G>A on transcript NM_001482.3 (MANE Select); coding-DNA position 408, G replaced by A.
Protein change: p.Thr136=; no amino-acid change (threonine 136 retained).
Molecular consequence: synonymous variant.
Genome position (GRCh38, 1-based): chr15:45,369,402, C>T on the plus strand (G>A on the coding strand, the complement: GATM is on the minus strand). VCF-style: chr15-45369402-C-T. GRCh37 (hg19) VCF-style: chr15-45661600-C-T.
Other names: c.21G>A, p.Thr7= (NM_001321015.2).
Identifiers: ClinVar variation 384281 (VCV000384281.10), dbSNP rs765074779, ClinGen allele CA7542939.

ClinVar aggregate classification (germline): Likely benign. Review status: criteria provided, multiple submitters, no conflicts (2 of 4 stars). 4 submissions from 4 submitters: Likely benign (4). Last evaluated 2025-09-08.

Conditions:
GATM-related disorder. Also called: GATM-related condition.
Arginine:glycine amidinotransferase deficiency (CCDS3). Also called: AGAT deficiency; L-Arginine:Glycine Amidinotransferase Deficiency; L-Arginine:Glycine Amidinotransferase (AGAT) Deficiency; Creatine deficiency syndrome due to AGAT deficiency; GATM deficiency; Cerebral creatine deficiency syndrome 3. Identifiers: Orphanet 35704, MedGen C2675179, MONDO:0012996, OMIM 612718.

Allele frequency attached by ClinVar (database versions not stated): gnomAD 0.00002 and 0.00003; TOPMed 0.00002; gnomAD exomes 0.00003 and 0.00004; ExAC 0.00002.

Submissions (4):

PreventionGenetics, part of Exact Sciences
Classification: Likely benign for GATM-related condition. Last evaluated: 2025-09-08. Review status: criteria provided, single submitter. Criteria: ACMG Guidelines, 2015. Collection method: clinical testing. Allele origin: germline.
Comment: This variant is classified as likely benign based on ACMG/AMP sequence variant interpretation guidelines (Richards et al. 2015 PMID: 25741868, with internal and published modifications).

Labcorp Genetics (formerly Invitae), Labcorp
Classification: Likely benign for Arginine:glycine amidinotransferase deficiency. Last evaluated: 2025-05-12. Review status: criteria provided, single submitter. Criteria: Invitae Variant Classification Sherloc (09022015). Collection method: clinical testing. Allele origin: germline.

ARUP Laboratories, Molecular Genetics and Genomics, ARUP Laboratories
Classification: Likely benign. Last evaluated: 2025-02-20. Review status: criteria provided, single submitter. Criteria: ARUP Molecular Germline Variant Investigation Process 2024. Collection method: clinical testing. Allele origin: germline.

GeneDx
Classification: Likely benign. Last evaluated: 2016-12-13. Review status: criteria provided, single submitter. Criteria: GeneDx Variant Classification (06012015). Collection method: clinical testing. Allele origin: germline. Affected: yes.
Comment: This variant is considered likely benign or benign based on one or more of the following criteria: it is a conservative change, it occurs at a poorly conserved position in the protein, it is predicted to be benign by multiple in silico algorithms, and/or has population frequency not consistent with disease.